The following is an entry in ClinVar:

ClinVar aggregate classification (germline): Conflicting classifications of pathogenicity. Review status: criteria provided, conflicting classifications (1 of 4 stars). 2 submissions from 2 submitters: Uncertain significance (1); Likely benign (1). Last evaluated 2025-12-15.

Allele frequency attached by ClinVar (database versions not stated): ExAC 0.00004; ESP Exome Variant Server 0.00008.
gnomAD v4.1: 73 of 1,612,344 alleles (0.0045%); highest among the groups gnomAD compares: Non-Finnish European, 0.0043%; no homozygotes.

Submissions (2):

Ambry Genetics
Classification: Uncertain significance. Last evaluated: 2025-12-15. Review status: criteria provided, single submitter. Criteria: Ambry Variant Classification Scheme 2023. Collection method: clinical testing. Allele origin: germline.

CeGaT Center for Human Genetics Tuebingen
Classification: Likely benign. Last evaluated: 2022-06-01. Review status: criteria provided, single submitter. Criteria: CeGaT Center For Human Genetics Tuebingen Variant Classification Criteria Version 2. Collection method: clinical testing. Allele origin: germline. Affected: yes. Observed: 1 variant allele.
Comment: CELSR1: BP4, BS2

NM_001378328.1(CELSR1):c.2140C>T (p.Arg714Cys)

Gene: CELSR1 (cadherin EGF LAG seven-pass G-type receptor 1; minus strand). Cytogenetic location: 22q13.31.
Variant type: single nucleotide variant.
Coding change: c.2140C>T on transcript NM_001378328.1 (MANE Select); coding-DNA position 2140, C replaced by T.
Protein change: p.Arg714Cys; replaces arginine 714 with cysteine.
Molecular consequence: missense variant.
Genome position (GRCh38, 1-based): chr22:46,535,031, G>A on the plus strand (C>T on the coding strand, the complement: CELSR1 is on the minus strand). VCF-style: chr22-46535031-G-A. GRCh37 (hg19) VCF-style: chr22-46930928-G-A.
Other names: c.2140C>T, p.Arg714Cys (NM_014246.4); c.2140C>T (NM_014246.1); short protein forms R714C.
Identifiers: ClinVar variation 2653343 (VCV002653343.25), dbSNP rs374242625, ClinGen allele CA10295311.
Genomic context (GRCh38, chr22:46,535,031, plus strand): 5'-CAAAGCGGTTCCGGGTGTTGCCGCCTGTGAGCTGGTAGGTAATCACACTGTTGGCGTCAC[G>A]GTCGCGGGCCTGCAGGGTCAGCACGCTGCTCCCCACGGCCGCATCCTCATTCAGACGAAG-3'
Protein context (NP_001365257.1, residues 704-724): SSVLTLQARD[Arg714Cys]DANSVITYQL